The following is an entry in ClinVar:

NM_182961.4(SYNE1):c.17845A>G (p.Asn5949Asp)

Gene: SYNE1 (spectrin repeat containing nuclear envelope protein 1; minus strand). Cytogenetic location: 6q25.2.
Variant type: single nucleotide variant.
Coding change: c.17845A>G on transcript NM_182961.4 (MANE Select); coding-DNA position 17845, A replaced by G.
Protein change: p.Asn5949Asp; replaces asparagine 5949 with aspartic acid.
Molecular consequence: missense variant.
Genome position (GRCh38, 1-based): chr6:152,293,965, T>C on the plus strand (A>G on the coding strand, the complement: SYNE1 is on the minus strand). VCF-style: chr6-152293965-T-C. GRCh37 (hg19) VCF-style: chr6-152615100-T-C.
Other names: c.17632A>G, p.Asn5878Asp (NM_033071.5); short protein forms N5878D, N5949D.
Identifiers: ClinVar variation 2657011 (VCV002657011.24), dbSNP rs2094735229, ClinGen allele CA366100637.
Genomic context (GRCh38, chr6:152,293,965, plus strand): 5'-TCGCTAAGGTTACTGGTGTCTGGTGGGCATAAACTAGTCCACCTTGAAGACTTACCACAT[T>C]CTTTAAGGTTTCCCAAGAACGCTGCAAATCACCCAGTTTGGCAGTAGCGGATGGCTCCAA-3'
Protein context (NP_892006.3, residues 5939-5959): DLQRSWETLK[Asn5949Asp]VISEKQRTLY

ClinVar aggregate classification (germline): Uncertain significance (1 of 4 stars; one submission).

Submission:

CeGaT Center for Human Genetics Tuebingen
Classification: Uncertain significance. Last evaluated: 2023-02-01. Review status: criteria provided, single submitter. Criteria: CeGaT Center For Human Genetics Tuebingen Variant Classification Criteria Version 2. Collection method: clinical testing. Allele origin: germline. Affected: yes. Observed: 1 variant allele.
Comment: SYNE1: PM2